The following is an entry in ClinVar:

ClinVar aggregate classification (germline): Uncertain significance. Review status: criteria provided, multiple submitters, no conflicts (2 of 4 stars). 2 submissions from 2 submitters: Uncertain significance (2). Last evaluated 2024-12-09.

Conditions:
Inborn genetic diseases. Identifiers: MedGen C0950123, MeSH D030342.

Submissions (2):

Ambry Genetics
Classification: Uncertain significance for Inborn genetic diseases. Last evaluated: 2024-12-09. Review status: criteria provided, single submitter. Criteria: Ambry Variant Classification Scheme 2023. Collection method: clinical testing. Allele origin: germline.

Labcorp Genetics (formerly Invitae), Labcorp
Classification: Uncertain significance. Last evaluated: 2024-09-26. Review status: criteria provided, single submitter. Criteria: Invitae Variant Classification Sherloc (09022015). Collection method: clinical testing. Allele origin: germline.
Comment: This sequence change replaces valine, which is neutral and non-polar, with isoleucine, which is neutral and non-polar, at codon 407 of the CFH protein (p.Val407Ile). This variant is not present in population databases (gnomAD no frequency). This variant has not been reported in the literature in individuals affected with CFH-related conditions. An algorithm developed to predict the effect of missense changes on protein structure and function outputs the following: PolyPhen-2: "Benign". The isoleucine amino acid residue is found in multiple mammalian species, which suggests that this missense change does not adversely affect protein function. In summary, the available evidence is currently insufficient to determine the role of this variant in disease. Therefore, it has been classified as a Variant of Uncertain Significance.

NM_000186.4(CFH):c.1219G>A (p.Val407Ile)

Gene: CFH (complement factor H; plus strand). Cytogenetic location: 1q31.3.
Variant type: single nucleotide variant.
Coding change: c.1219G>A on transcript NM_000186.4 (MANE Select); coding-DNA position 1219, G replaced by A.
Protein change: p.Val407Ile; replaces valine 407 with isoleucine.
Molecular consequence: missense variant.
Genome position (GRCh38, 1-based): chr1:196,690,122, G>A. VCF-style: chr1-196690122-G-A. GRCh37 (hg19) VCF-style: chr1-196659252-G-A.
Other names: c.1219G>A, p.Val407Ile (NM_001014975.3); short protein forms V407I.
Identifiers: ClinVar variation 3491537 (VCV003491537.3).